The following is an entry in ClinVar:

ClinVar aggregate classification (germline): Uncertain significance (1 of 4 stars; one submission).

Allele frequency attached by ClinVar (database versions not stated): gnomAD exomes below 0.00001.

Submission:

GeneDx
Classification: Uncertain significance. Last evaluated: 2019-06-12. Review status: criteria provided, single submitter. Criteria: GeneDx Variant Classification Process June 2021. Collection method: clinical testing. Allele origin: germline. Affected: yes.
Comment: Not observed at a significant frequency in large population cohorts (Lek et al., 2016); In silico analysis, which includes protein predictors and evolutionary conservation, supports a deleterious effect; Has not been previously published as pathogenic or benign to our knowledge

NM_017617.5(NOTCH1):c.6623G>A (p.Gly2208Asp)

Gene: NOTCH1 (notch receptor 1; minus strand). Cytogenetic location: 9q34.3.
Variant type: single nucleotide variant.
Coding change: c.6623G>A on transcript NM_017617.5 (MANE Select); coding-DNA position 6623, G replaced by A.
Protein change: p.Gly2208Asp; replaces glycine 2208 with aspartic acid.
Molecular consequence: missense variant.
Genome position (GRCh38, 1-based): chr9:136,497,116, C>T on the plus strand (G>A on the coding strand, the complement: NOTCH1 is on the minus strand). VCF-style: chr9-136497116-C-T. GRCh37 (hg19) VCF-style: chr9-139391568-C-T.
Other names: short protein forms G2208D.
Identifiers: ClinVar variation 1306419 (VCV001306419.2), dbSNP rs1444594556, ClinGen allele CA375631049.